The following is an entry in ClinVar:

NM_013432.5(TONSL):c.1744C>A (p.Leu582Met)

Genes: TONSL (tonsoku like, DNA repair protein; minus strand), TONSL-AS1 (TONSL antisense RNA 1; plus strand). Cytogenetic location: 8q24.3.
Variant type: single nucleotide variant.
Coding change: c.1744C>A on transcript NM_013432.5 (MANE Select); coding-DNA position 1744, C replaced by A.
Protein change: p.Leu582Met; replaces leucine 582 with methionine.
Molecular consequence: missense variant. On other transcripts: non-coding transcript variant (1).
Genome position (GRCh38, 1-based): chr8:144,436,903, G>T on the plus strand (C>A on the coding strand, the complement: TONSL is on the minus strand). VCF-style: chr8-144436903-G-T. GRCh37 (hg19) VCF-style: chr8-145662286-G-T.
Other names: short protein forms L582M.
Identifiers: ClinVar variation 1490197 (VCV001490197.8), dbSNP rs1823486062, ClinGen allele CA372662427.

ClinVar aggregate classification (germline): Uncertain significance (1 of 4 stars; one submission).

Allele frequency attached by ClinVar (database versions not stated): gnomAD exomes below 0.00001.
gnomAD v4.1: 3 of 1,608,548 alleles (0.00019%); highest among the groups gnomAD compares: African/African-American, 0.0027%; no homozygotes.

Submission:

Labcorp Genetics (formerly Invitae), Labcorp
Classification: Uncertain significance. Last evaluated: 2023-08-17. Review status: criteria provided, single submitter. Criteria: Invitae Variant Classification Sherloc (09022015). Collection method: clinical testing. Allele origin: germline.
Comment: This variant has not been reported in the literature in individuals affected with TONSL-related conditions. In summary, the available evidence is currently insufficient to determine the role of this variant in disease. Therefore, it has been classified as a Variant of Uncertain Significance. Advanced modeling of protein sequence and biophysical properties (such as structural, functional, and spatial information, amino acid conservation, physicochemical variation, residue mobility, and thermodynamic stability) performed at Invitae indicates that this missense variant is expected to disrupt TONSL protein function. ClinVar contains an entry for this variant (Variation ID: 1490197). This variant is not present in population databases (gnomAD no frequency). This sequence change replaces leucine, which is neutral and non-polar, with methionine, which is neutral and non-polar, at codon 582 of the TONSL protein (p.Leu582Met).